The following is an entry in ClinVar:

ClinVar aggregate classification (germline): Conflicting classifications of pathogenicity. Review status: criteria provided, conflicting classifications (1 of 4 stars). 3 submissions from 3 submitters: Uncertain significance (2); Likely benign (1). Last evaluated 2023-11-15.

Conditions:
Familial acute necrotizing encephalopathy (IIAE3). Also called: ENCEPHALOPATHY, ACUTE, INFECTION-INDUCED, SUSCEPTIBILITY TO, 3; Susceptibility to Acute Necrotizing Encephalopathy 1. Identifiers: Orphanet 88619, MedGen C2675556, MONDO:0011953, OMIM 608033.

Allele frequency attached by ClinVar (database versions not stated): gnomAD 0.00003 and 0.00004; TOPMed 0.00003; ESP Exome Variant Server 0.00008; gnomAD exomes 0.00009 and 0.00016; ExAC 0.00016.
gnomAD v4.1: 143 of 1,614,058 alleles (0.0089%); highest among the groups gnomAD compares: South Asian, 0.098%; no homozygotes.

Submissions (3):

Revvity Omics, Revvity
Classification: Uncertain significance. Last evaluated: 2023-11-15. Review status: criteria provided, single submitter. Criteria: ACMG Guidelines, 2015. Collection method: clinical testing. Allele origin: germline.

GeneDx
Classification: Uncertain significance. Last evaluated: 2022-09-22. Review status: criteria provided, single submitter. Criteria: GeneDx Variant Classification Process June 2021. Collection method: clinical testing. Allele origin: germline. Affected: yes.
Comment: In silico analysis supports that this missense variant has a deleterious effect on protein structure/function; Has not been previously published as pathogenic or benign to our knowledge

Labcorp Genetics (formerly Invitae), Labcorp
Classification: Likely benign for Familial acute necrotizing encephalopathy. Last evaluated: 2022-02-03. Review status: criteria provided, single submitter. Criteria: Invitae Variant Classification Sherloc (09022015). Collection method: clinical testing. Allele origin: germline.

NM_006267.5(RANBP2):c.2954C>T (p.Pro985Leu)

Gene: RANBP2 (RAN binding protein 2; plus strand). Cytogenetic location: 2q13.
Variant type: single nucleotide variant.
Coding change: c.2954C>T on transcript NM_006267.5 (MANE Select); coding-DNA position 2954, C replaced by T.
Protein change: p.Pro985Leu; replaces proline 985 with leucine.
Molecular consequence: missense variant.
Genome position (GRCh38, 1-based): chr2:108,763,493, C>T. VCF-style: chr2-108763493-C-T. GRCh37 (hg19) VCF-style: chr2-109379949-C-T.
Other names: c.2954C>T (NM_006267.4); short protein forms P985L.
Identifiers: ClinVar variation 1116450 (VCV001116450.11), dbSNP rs368547122, ClinGen allele CA1822844.